The following is an entry in ClinVar:

ClinVar aggregate classification (germline): Likely benign (0 of 4 stars; one submission).

Conditions:
LEO1-related disorder. Also called: LEO1-related condition.

Allele frequency attached by ClinVar (database versions not stated): ESP Exome Variant Server 0.00015; gnomAD exomes 0.00028; gnomAD 0.00057; TOPMed 0.00058; ExAC 0.00066; 1000 Genomes Project 30x 0.00141; 1000 Genomes Project 0.00160.
gnomAD v4.1: 496 of 1,560,722 alleles (0.032%); highest among the groups gnomAD compares: East Asian, 0.75%; 1 homozygote.

Submission:

PreventionGenetics, part of Exact Sciences
Classification: Likely benign for LEO1-related condition. Last evaluated: 2019-06-24. Review status: no assertion criteria provided. Collection method: clinical testing. Allele origin: germline.
Comment: This variant is classified as likely benign based on ACMG/AMP sequence variant interpretation guidelines (Richards et al. 2015 PMID: 25741868, with internal and published modifications).

NM_138792.4(LEO1):c.1989A>T (p.Glu663Asp)

Gene: LEO1 (LEO1 homolog, Paf1/RNA polymerase II complex component; minus strand). Cytogenetic location: 15q21.2.
Variant type: single nucleotide variant.
Coding change: c.1989A>T on transcript NM_138792.4 (MANE Select); coding-DNA position 1989, A replaced by T.
Protein change: p.Glu663Asp; replaces glutamic acid 663 with aspartic acid.
Molecular consequence: missense variant. On other transcripts: 3 prime UTR variant (2).
Genome position (GRCh38, 1-based): chr15:51,938,168, T>A on the plus strand (A>T on the coding strand, the complement: LEO1 is on the minus strand). VCF-style: chr15-51938168-T-A. GRCh37 (hg19) VCF-style: chr15-52230365-T-A.
Other names: c.1809A>T, p.Glu603Asp (NM_001286430.2); c.*20A>T (NM_001323903.2, NM_001323904.2); c.*85A>T (NM_001426598.1); short protein forms E603D, E663D.
Identifiers: ClinVar variation 3042939 (VCV003042939.2), dbSNP rs114649602, ClinGen allele CA7564299.
Genomic context (GRCh38, chr15:51,938,168, plus strand): 5'-TTTATAACTGTACAATAAAATATATAAAATGTTTTCATATTTCATACTTCAATCATCATC[T>A]TCTTCCTCTTCATCGCTGATCACATACTTCTTATGCTTTTTATTTGCTTTATCATCATCT-3'
Protein context (NP_620147.1, residues 653-666): KKYVISDEEE[Glu663Asp]DDD